The following is an entry in ClinVar:

ClinVar aggregate classification (germline): Uncertain significance. Review status: criteria provided, multiple submitters, no conflicts (2 of 4 stars). 2 submissions from 2 submitters: Uncertain significance (2). Last evaluated 2021-09-01.

Conditions:
Cardiovascular phenotype. Identifiers: MedGen CN230736.
Duchenne muscular dystrophy (DMD). Also called: MUSCULAR DYSTROPHY, PSEUDOHYPERTROPHIC PROGRESSIVE, DUCHENNE TYPE; Duchenne Muscular Dystrophy (DMD). Identifiers: Orphanet 98896, MedGen C0013264, MONDO:0010679, OMIM 310200.

Allele frequency attached by ClinVar (database versions not stated): gnomAD 0.00001.
gnomAD v4.1: 1 of 1,210,005 alleles (0.000083%); highest among the groups gnomAD compares: African/African-American, 0.0017%; no homozygotes.

Submissions (2):

Ambry Genetics
Classification: Uncertain significance for Cardiovascular phenotype. Last evaluated: 2021-09-01. Review status: criteria provided, single submitter. Criteria: Ambry Variant Classification Scheme 2023. Collection method: clinical testing. Allele origin: germline.
Comment: The p.Q133H variant (also known as c.399A>T), located in coding exon 6 of the DMD gene, results from an A to T substitution at nucleotide position 399. The glutamine at codon 133 is replaced by histidine, an amino acid with highly similar properties. Based on data from gnomAD, the T allele has an overall frequency of 0.004552% (1/21968) total alleles studied, with 0 hemizygote(s) observed. The highest observed frequency was 0.01701% (1/5878) of African American alleles. This amino acid position is highly conserved in available vertebrate species. In addition, this alteration is predicted to be deleterious by in silico analysis. Since supporting evidence is limited at this time, the clinical significance of this alteration remains unclear.

Labcorp Genetics (formerly Invitae), Labcorp
Classification: Uncertain significance for Duchenne muscular dystrophy. Last evaluated: 2020-03-29. Review status: criteria provided, single submitter. Criteria: Invitae Variant Classification Sherloc (09022015). Collection method: clinical testing. Allele origin: germline.
Comment: In summary, the available evidence is currently insufficient to determine the role of this variant in disease. Therefore, it has been classified as a Variant of Uncertain Significance. This sequence change replaces glutamine with histidine at codon 133 of the DMD protein (p.Gln133His). The glutamine residue is highly conserved and there is a small physicochemical difference between glutamine and histidine. This variant is not present in population databases (ExAC no frequency). This variant has not been reported in the literature in individuals with DMD-related conditions. Algorithms developed to predict the effect of missense changes on protein structure and function are either unavailable or do not agree on the potential impact of this missense change (SIFT: "Deleterious"; PolyPhen-2: "Benign"; Align-GVGD: "Class C0").

NM_004006.3(DMD):c.399A>T (p.Gln133His)

Gene: DMD (dystrophin; minus strand). Cytogenetic location: Xp21.1.
Variant type: single nucleotide variant.
Coding change: c.399A>T on transcript NM_004006.3 (MANE Select); coding-DNA position 399, A replaced by T.
Protein change: p.Gln133His; replaces glutamine 133 with histidine.
Molecular consequence: missense variant.
Genome position (GRCh38, 1-based): chrX:32,816,599, T>A on the plus strand (A>T on the coding strand, the complement: DMD is on the minus strand). VCF-style: chrX-32816599-T-A. GRCh37 (hg19) VCF-style: chrX-32834716-T-A.
Other names: c.375A>T, p.Gln125His (NM_000109.4); c.387A>T, p.Gln129His (NM_004009.3); c.30A>T, p.Gln10His (NM_004010.3); short protein forms Q10H, Q125H, Q129H, Q133H.
Identifiers: ClinVar variation 1002679 (VCV001002679.11), dbSNP rs1358899513, ClinGen allele CA412674300.